The following is an entry in ClinVar:

NM_001306084.2(CFAP54):c.2974A>G (p.Asn992Asp)

Gene: CFAP54 (cilia and flagella associated protein 54; plus strand). Cytogenetic location: 12q23.1.
Variant type: single nucleotide variant.
Coding change: c.2974A>G on transcript NM_001306084.2 (MANE Select); coding-DNA position 2974, A replaced by G.
Protein change: p.Asn992Asp; replaces asparagine 992 with aspartic acid.
Molecular consequence: missense variant.
Genome position (GRCh38, 1-based): chr12:96,581,004, A>G. VCF-style: chr12-96581004-A-G. GRCh37 (hg19) VCF-style: chr12-96974782-A-G.
Other names: c.2974A>G, p.Asn992Asp (NM_001367885.1); short protein forms N992D.
Identifiers: ClinVar variation 3778413 (VCV003778413.7).
Genomic context (GRCh38, chr12:96,581,004, plus strand): 5'-TTTGAAGTGAAAGGTTTAGAAACCAATGAAAAGTATGTATTTGCAGTTGCTGCCTATTCT[A>G]ACAACGGAAAGCTTGTCGGTGGTGCTATTGGGGAGACAACTAAACCAATTCTGGTTTATC-3'
Protein context (NP_001293013.1, residues 982-1002): KYVFAVAAYS[Asn992Asp]NGKLVGGAIG

ClinVar aggregate classification (germline): Uncertain significance (1 of 4 stars; one submission).

gnomAD v4.1: 3 of 1,534,334 alleles (0.0002%); highest among the groups gnomAD compares: Admixed American, 0.0039%; no homozygotes.

Submission:

CeGaT Center for Human Genetics Tuebingen
Classification: Uncertain significance. Last evaluated: 2025-03-01. Review status: criteria provided, single submitter. Criteria: CeGaT Center For Human Genetics Tuebingen Variant Classification Criteria Version 2. Collection method: clinical testing. Allele origin: germline. Affected: yes. Observed: 1 variant allele.
Comment: CFAP54: PM2, PM3:Supporting, BP4